The following is an entry in ClinVar:

NM_032551.5(KISS1R):c.739-1G>T

Gene: KISS1R (KISS1 receptor; plus strand). Cytogenetic location: 19p13.3.
Variant type: single nucleotide variant.
Coding change: c.739-1G>T on transcript NM_032551.5 (MANE Select); the canonical splice acceptor site of the intron before coding-DNA position 739, G replaced by T.
Molecular consequence: splice acceptor variant.
Genome position (GRCh38, 1-based): chr19:920,289, G>T. VCF-style: chr19-920289-G-T. GRCh37 (hg19) VCF-style: chr19-920289-G-T.
Identifiers: ClinVar variation 4698573 (VCV004698573.1).

ClinVar aggregate classification (germline): Uncertain significance (1 of 4 stars; one submission).

Submission:

Labcorp Genetics (formerly Invitae), Labcorp
Classification: Uncertain significance. Last evaluated: 2025-11-12. Review status: criteria provided, single submitter. Criteria: Invitae Variant Classification Sherloc (09022015). Collection method: clinical testing. Allele origin: germline.
Comment: This sequence change affects an acceptor splice site in intron 4 of the KISS1R gene. While this variant is not anticipated to result in nonsense mediated decay, it likely alters RNA splicing and results in a disrupted protein product. The frequency data for this variant in the population databases is considered unreliable, as metrics indicate poor data quality at this position in the gnomAD database. This variant has not been reported in the literature in individuals affected with KISS1R-related conditions. Variants that disrupt the consensus splice site are a relatively common cause of aberrant splicing (PMID: 17576681, 9536098). Algorithms developed to predict the effect of sequence changes on RNA splicing suggest that this variant may disrupt the consensus splice site. In summary, the available evidence is currently insufficient to determine the role of this variant in disease. Therefore, it has been classified as a Variant of Uncertain Significance.

Literature cited by the submitters: PubMed 17576681; PubMed 9536098.